The following is an entry in ClinVar:

ClinVar aggregate classification (germline): Uncertain significance (1 of 4 stars; one submission).

Conditions:
Inborn genetic diseases. Identifiers: MedGen C0950123, MeSH D030342.

gnomAD v4.1: 2 of 1,614,106 alleles (0.00012%); highest among the groups gnomAD compares: South Asian, 0.0011%; no homozygotes.

Submission:

Ambry Genetics
Classification: Uncertain significance for Inborn genetic diseases. Last evaluated: 2024-05-07. Review status: criteria provided, single submitter. Criteria: Ambry Variant Classification Scheme 2023. Collection method: clinical testing. Allele origin: germline.
Comment: The p.E845G variant (also known as c.2534A>G), located in coding exon 16 of the EPAS1 gene, results from an A to G substitution at nucleotide position 2534. The glutamic acid at codon 845 is replaced by glycine, an amino acid with similar properties. This amino acid position is conserved. In addition, this alteration is predicted to be deleterious by in silico analysis. Based on the available evidence, the clinical significance of this variant remains unclear.

NM_001430.5(EPAS1):c.2534A>G (p.Glu845Gly)

Gene: EPAS1 (endothelial PAS domain protein 1; plus strand). Cytogenetic location: 2p21.
Variant type: single nucleotide variant.
Coding change: c.2534A>G on transcript NM_001430.5 (MANE Select); coding-DNA position 2534, A replaced by G.
Protein change: p.Glu845Gly; replaces glutamic acid 845 with glycine.
Molecular consequence: missense variant.
Genome position (GRCh38, 1-based): chr2:46,384,581, A>G. VCF-style: chr2-46384581-A-G. GRCh37 (hg19) VCF-style: chr2-46611720-A-G.
Other names: short protein forms E845G.
Identifiers: ClinVar variation 3275715 (VCV003275715.1).
Genomic context (GRCh38, chr2:46,384,581, plus strand): 5'-GGCTGCTCGGGCCCTCATTTGAGTCCTACCTGCTGCCCGAACTGACCAGATATGACTGTG[A>G]GGTGAACGTGCCCGTGCTGGGAAGCTCCACGCTCCTGCAAGGAGGGGACCTCCTCAGAGC-3'
Protein context (NP_001421.2, residues 835-855): LLPELTRYDC[Glu845Gly]VNVPVLGSST